The following is an entry in ClinVar:

ClinVar aggregate classification (germline): Pathogenic (1 of 4 stars; one submission).

Conditions:
Neuronal ceroid lipofuscinosis. Also called: Neuronal Ceroid Lipofuscinoses. Identifiers: Orphanet 216, Orphanet 79263, MedGen C0027877, MONDO:0016295. Disease mechanism: loss of function.

Submission:

Labcorp Genetics (formerly Invitae), Labcorp
Classification: Pathogenic for Neuronal ceroid lipofuscinosis. Last evaluated: 2022-07-05. Review status: criteria provided, single submitter. Criteria: Invitae Variant Classification Sherloc (09022015). Collection method: clinical testing. Allele origin: germline.
Comment: This variant has not been reported in the literature in individuals affected with CLN5-related conditions. This variant is not present in population databases (gnomAD no frequency). This sequence change creates a premature translational stop signal (p.Val87Aspfs*80) in the CLN5 gene. It is expected to result in an absent or disrupted protein product. Loss-of-function variants in CLN5 are known to be pathogenic (PMID: 20157158). ClinVar contains an entry for this variant (Variation ID: 527726). For these reasons, this variant has been classified as Pathogenic.

Literature cited by the submitters: PubMed 20157158.

NM_006493.4(CLN5):c.112_113insATCCGGGCTGG (p.Val38fs)

Genes: CLN5 (CLN5 lysosomal BMP synthase; plus strand), LOC130009913 (ATAC-STARR-seq lymphoblastoid silent region 5414; plus strand). Cytogenetic location: 13q22.3.
Variant type: Insertion.
Coding change: c.112_113insATCCGGGCTGG on transcript NM_006493.4 (MANE Select); coding-DNA positions 112 to 113, ATCCGGGCTGG inserted.
Protein change: p.Val38fs; shifts the reading frame from valine 38.
Molecular consequence: frameshift variant.
Genome position: GRCh38 VCF-style: chr13-76992207-G-GTGGATCCGGGC. GRCh37 (hg19) VCF-style: chr13-77566342-G-GTGGATCCGGGC.
Other names: c.112_113insATCCGGGCTGG, p.Val38fs (NM_001366624.2); c.259_260insATCCGGGCTGG (LRG_692t1); short protein forms V38fs.
Identifiers: ClinVar variation 527726 (VCV000527726.10), dbSNP rs1555273604, ClinGen allele CA658798157.
Genomic context (GRCh38, chr13:76,992,207, plus strand): 5'-GCGGGCGCGGCTCGGGGACGCGCTTCCTGGTGCTGGGCCCTGGCGCTGCTTTGGCTCGCG[G>GTGGATCCGGGC]TGGTTCCGGGCTGGTCCCGGGTCTCGGGCATCCCCTCCCGGCGCCACTGGCCGGTGCCCT-3'